The following is an entry in ClinVar:

GRCh37/hg19 15q14-15.1 chr15:34638237..42057083 complex variant

Genes: ACTC1 (actin alpha cardiac muscle 1; minus strand), ANKRD63 (ankyrin repeat domain 63; minus strand), AQR (aquarius intron-binding spliceosomal factor; minus strand), BAHD1 (bromo adjacent homology domain containing 1; plus strand), BMF (Bcl2 modifying factor; minus strand) and 57 more. Cytogenetic location: 15q14-15.1.
Variant type: Complex.
Identifiers: ClinVar variation 585332 (VCV000585332.1).

ClinVar aggregate classification (germline): Pathogenic (1 of 4 stars; one submission).

Conditions:
Spindle cell sarcoma. Identifiers: MedGen C0205945, MeSH D012509, MONDO:0002927.

Submission:

Papaemmanuil Lab, Memorial Sloan Kettering Cancer Research Center
Classification: Pathogenic for Spindle cell sarcoma. Last evaluated: 2018-08-27. Review status: criteria provided, single submitter. Criteria: OnkoKB guidelines, 2017. Collection method: research. Allele origin: somatic. Inheritance: Somatic mutation. Affected: yes. Observed: 1 variant allele.
Comment: Given prior descriptions of oncogenic effect of NUTM1 fusions in literature, we consider this variant to be pathogenic.